The following is an entry in ClinVar:

NM_001008212.2(OPTN):c.385T>C (p.Ser129Pro)

Gene: OPTN (optineurin; plus strand). Cytogenetic location: 10p13.
Variant type: single nucleotide variant.
Coding change: c.385T>C on transcript NM_001008212.2 (MANE Select); coding-DNA position 385, T replaced by C.
Protein change: p.Ser129Pro; replaces serine 129 with proline.
Molecular consequence: missense variant.
Genome position (GRCh38, 1-based): chr10:13,112,468, T>C. VCF-style: chr10-13112468-T-C. GRCh37 (hg19) VCF-style: chr10-13154468-T-C.
Other names: c.385T>C, p.Ser129Pro (NM_001008213.1, NM_021980.4, NM_001008211.1); short protein forms S129P.
Identifiers: ClinVar variation 1504182 (VCV001504182.6), dbSNP rs369071606, ClinGen allele CA5410609.

ClinVar aggregate classification (germline): Uncertain significance (1 of 4 stars; one submission).

Conditions:
Primary open angle glaucoma (POAG). Also called: OPTN-related open angle glaucoma. Identifiers: MedGen C0339573, MONDO:0100553, OMIM 137760.
Amyotrophic lateral sclerosis type 12 (ALS12). Also called: AMYOTROPHIC LATERAL SCLEROSIS 12 WITH OR WITHOUT FRONTOTEMPORAL DEMENTIA. Identifiers: Orphanet 803, MedGen C3150692, MONDO:0013264, OMIM 613435.
Glaucoma 1, open angle, E. Identifiers: MedGen C1842026, MONDO:0007665.

gnomAD v4.1: 9 of 1,614,002 alleles (0.00056%); highest among the groups gnomAD compares: Admixed American, 0.0067%; no homozygotes.

Submission:

Labcorp Genetics (formerly Invitae), Labcorp
Classification: Uncertain significance for Primary open angle glaucoma; Glaucoma 1, open angle, E; Amyotrophic lateral sclerosis type 12. Last evaluated: 2021-11-14. Review status: criteria provided, single submitter. Criteria: Invitae Variant Classification Sherloc (09022015). Collection method: clinical testing. Allele origin: germline.
Comment: In summary, the available evidence is currently insufficient to determine the role of this variant in disease. Therefore, it has been classified as a Variant of Uncertain Significance. Algorithms developed to predict the effect of missense changes on protein structure and function output the following: SIFT: "Tolerated"; PolyPhen-2: "Benign"; Align-GVGD: "Class C0". The proline amino acid residue is found in multiple mammalian species, which suggests that this missense change does not adversely affect protein function. This variant has not been reported in the literature in individuals affected with OPTN-related conditions. This variant is present in population databases (rs369071606, gnomAD 0.009%). This sequence change replaces serine, which is neutral and polar, with proline, which is neutral and non-polar, at codon 129 of the OPTN protein (p.Ser129Pro).